The following is an entry in ClinVar:

NM_000051.4(ATM):c.2896G>A (p.Val966Ile)

Gene: ATM (ATM serine/threonine kinase; plus strand). Cytogenetic location: 11q22.3.
Variant type: single nucleotide variant.
Coding change: c.2896G>A on transcript NM_000051.4 (MANE Select); coding-DNA position 2896, G replaced by A.
Protein change: p.Val966Ile; replaces valine 966 with isoleucine.
Molecular consequence: missense variant.
Genome position (GRCh38, 1-based): chr11:108,271,121, G>A. VCF-style: chr11-108271121-G-A. GRCh37 (hg19) VCF-style: chr11-108141848-G-A.
Other names: c.2896G>A, p.Val966Ile (NM_001351834.2); short protein forms V966I.
Identifiers: ClinVar variation 407555 (VCV000407555.16), dbSNP rs1060501598, ClinGen allele CA16613113.

ClinVar aggregate classification (germline): Conflicting classifications of pathogenicity. Review status: criteria provided, conflicting classifications (1 of 4 stars). 2 submissions from 2 submitters: Uncertain significance (1); Likely benign (1). Last evaluated 2026-02-27.

Conditions:
Hereditary cancer-predisposing syndrome. Also called: Neoplastic Syndromes, Hereditary; Tumor predisposition; Hereditary neoplastic syndrome; Hereditary Cancer Syndrome. Identifiers: Orphanet 140162, MedGen C0027672, MeSH D009386, MONDO:0015356.
Ataxia-telangiectasia syndrome (AT). Also called: Ataxia-telangiectasia, complementation group D; Ataxia-telangiectasia, complementation group E; AT, COMPLEMENTATION GROUP C; ATAXIA-TELANGIECTASIA, COMPLEMENTATION GROUP A; ATAXIA-TELANGIECTASIA, FRESNO VARIANT; Ataxia-telangiectasia. Identifiers: Orphanet 100, MedGen C0004135, MONDO:0008840, OMIM 208900.

Submissions (2):

Ambry Genetics
Classification: Likely benign for Hereditary cancer-predisposing syndrome. Last evaluated: 2026-02-27. Review status: criteria provided, single submitter. Criteria: Ambry Variant Classification Scheme 2023. Collection method: clinical testing. Allele origin: germline.

Labcorp Genetics (formerly Invitae), Labcorp
Classification: Uncertain significance for Ataxia-telangiectasia syndrome. Last evaluated: 2024-10-31. Review status: criteria provided, single submitter. Criteria: Invitae Variant Classification Sherloc (09022015). Collection method: clinical testing. Allele origin: germline.
Comment: This sequence change replaces valine, which is neutral and non-polar, with isoleucine, which is neutral and non-polar, at codon 966 of the ATM protein (p.Val966Ile). This variant is not present in population databases (gnomAD no frequency). This variant has not been reported in the literature in individuals affected with ATM-related conditions. ClinVar contains an entry for this variant (Variation ID: 407555). Invitae Evidence Modeling of protein sequence and biophysical properties (such as structural, functional, and spatial information, amino acid conservation, physicochemical variation, residue mobility, and thermodynamic stability) indicates that this missense variant is not expected to disrupt ATM protein function with a negative predictive value of 95%. In summary, the available evidence is currently insufficient to determine the role of this variant in disease. Therefore, it has been classified as a Variant of Uncertain Significance.